The following is an entry in ClinVar:

ClinVar aggregate classification (germline): Pathogenic (1 of 4 stars; one submission).

Submission:

GeneDx
Classification: Pathogenic. Last evaluated: 2018-07-25. Review status: criteria provided, single submitter. Criteria: GeneDx Variant Classification (06012015). Collection method: clinical testing. Allele origin: germline. Affected: yes.
Comment: The Q6168X variant in the SYNE1 gene has not been reported previously as a pathogenic variant nor as a benign variant, to our knowledge. This variant is predicted to cause loss of normal protein function either through protein truncation or nonsense-mediated mRNA decay. The Q6168X variant is not observed in large population cohorts (Lek et al., 2016). We interpret Q6168X as a pathogenic variant.

NM_182961.4(SYNE1):c.18715C>T (p.Gln6239Ter)

Gene: SYNE1 (spectrin repeat containing nuclear envelope protein 1; minus strand). Cytogenetic location: 6q25.2.
Variant type: single nucleotide variant.
Coding change: c.18715C>T on transcript NM_182961.4 (MANE Select); coding-DNA position 18715, C replaced by T.
Protein change: p.Gln6239Ter; replaces glutamine 6239 with a stop codon.
Molecular consequence: nonsense.
Genome position (GRCh38, 1-based): chr6:152,268,156, G>A on the plus strand (C>T on the coding strand, the complement: SYNE1 is on the minus strand). VCF-style: chr6-152268156-G-A. GRCh37 (hg19) VCF-style: chr6-152589291-G-A.
Other names: c.18502C>T, p.Gln6168Ter (NM_033071.5); short protein forms Q6168*, Q6239*.
Identifiers: ClinVar variation 620275 (VCV000620275.1), dbSNP rs1562643321, ClinGen allele CA366091757.
Genomic context (GRCh38, chr6:152,268,156, plus strand): 5'-GAATCTCCTCTCCACGACTGGCTACTGAGCGAAGGAGACTCTTCTGCTCGGCTAATTCCT[G>A]TTCTAACTCCTGCTCAAGGGAAAGGACAAACGCAAACACATTTGCTACTTTATGATTATT-3'